The following is an entry in ClinVar:

ClinVar aggregate classification (germline): Uncertain significance. Review status: criteria provided, multiple submitters, no conflicts (2 of 4 stars). 2 submissions from 2 submitters: Uncertain significance (2). Last evaluated 2023-10-13.

Conditions:
Inborn genetic diseases. Identifiers: MedGen C0950123, MeSH D030342.

Allele frequency attached by ClinVar (database versions not stated): ExAC 0.00001; gnomAD 0.00001.
gnomAD v4.1: 37 of 1,612,310 alleles (0.0023%); highest among the groups gnomAD compares: Non-Finnish European, 0.0029%; no homozygotes.

Submissions (2):

Ambry Genetics
Classification: Uncertain significance for Inborn genetic diseases. Last evaluated: 2023-10-13. Review status: criteria provided, single submitter. Criteria: Ambry Variant Classification Scheme 2023. Collection method: clinical testing. Allele origin: germline.

Labcorp Genetics (formerly Invitae), Labcorp
Classification: Uncertain significance. Last evaluated: 2022-07-17. Review status: criteria provided, single submitter. Criteria: Invitae Variant Classification Sherloc (09022015). Collection method: clinical testing. Allele origin: germline.
Comment: This sequence change replaces aspartic acid, which is acidic and polar, with histidine, which is basic and polar, at codon 1187 of the ATR protein (p.Asp1187His). This variant is present in population databases (rs765890919, gnomAD 0.003%). This variant has not been reported in the literature in individuals affected with ATR-related conditions. Algorithms developed to predict the effect of missense changes on protein structure and function are either unavailable or do not agree on the potential impact of this missense change (SIFT: "Tolerated"; PolyPhen-2: "Probably Damaging"; Align-GVGD: "Class C0"). In summary, the available evidence is currently insufficient to determine the role of this variant in disease. Therefore, it has been classified as a Variant of Uncertain Significance.

NM_001184.4(ATR):c.3559G>C (p.Asp1187His)

Gene: ATR (ATR checkpoint kinase; minus strand). Cytogenetic location: 3q23.
Variant type: single nucleotide variant.
Coding change: c.3559G>C on transcript NM_001184.4 (MANE Select); coding-DNA position 3559, G replaced by C.
Protein change: p.Asp1187His; replaces aspartic acid 1187 with histidine.
Molecular consequence: missense variant.
Genome position (GRCh38, 1-based): chr3:142,540,926, C>G on the plus strand (G>C on the coding strand, the complement: ATR is on the minus strand). VCF-style: chr3-142540926-C-G. GRCh37 (hg19) VCF-style: chr3-142259768-C-G.
Other names: c.3367G>C, p.Asp1123His (NM_001354579.2); c.3559G>C (NM_001184.3); short protein forms D1123H, D1187H.
Identifiers: ClinVar variation 2185009 (VCV002185009.2), dbSNP rs765890919, ClinGen allele CA2650079.
Genomic context (GRCh38, chr3:142,540,926, plus strand): 5'-AAAAAAAAAAAAATTAATAAACTCAGGCAGTCATTTACCTGCAACACAATTCAGGAAAAT[C>G]ATCCTTGAATCGAAGGCCAGTTCTCAGTGTGGTCATCATCTTCACCCTCACAGAACTGAC-3'
Protein context (NP_001175.2, residues 1177-1197): TLRTGLRFKD[Asp1187His]FPELCCRAWD